The following is an entry in ClinVar:

ClinVar aggregate classification (germline): Uncertain significance (1 of 4 stars; one submission).

Allele frequency attached by ClinVar (database versions not stated): TOPMed below 0.00001; gnomAD 0.00001.
gnomAD v4.1: 1 of 1,613,508 alleles (0.000062%); highest among the groups gnomAD compares: Non-Finnish European, 0.000085%; no homozygotes.

Submission:

Labcorp Genetics (formerly Invitae), Labcorp
Classification: Uncertain significance. Last evaluated: 2021-08-28. Review status: criteria provided, single submitter. Criteria: Invitae Variant Classification Sherloc (09022015). Collection method: clinical testing. Allele origin: germline.
Comment: This sequence change replaces cysteine with arginine at codon 3016 of the USH2A protein (p.Cys3016Arg). The cysteine residue is weakly conserved and there is a large physicochemical difference between cysteine and arginine. This variant is not present in population databases (ExAC no frequency). This variant has not been reported in the literature in individuals affected with USH2A-related conditions. Algorithms developed to predict the effect of missense changes on protein structure and function output the following: SIFT: "Tolerated"; PolyPhen-2: "Benign"; Align-GVGD: "Class C0". The arginine amino acid residue is found in multiple mammalian species, which suggests that this missense change does not adversely affect protein function. In summary, the available evidence is currently insufficient to determine the role of this variant in disease. Therefore, it has been classified as a Variant of Uncertain Significance.

NM_206933.4(USH2A):c.9046T>C (p.Cys3016Arg)

Gene: USH2A (usherin; minus strand). Cytogenetic location: 1q41.
Variant type: single nucleotide variant.
Coding change: c.9046T>C on transcript NM_206933.4 (MANE Select); coding-DNA position 9046, T replaced by C.
Protein change: p.Cys3016Arg; replaces cysteine 3016 with arginine.
Molecular consequence: missense variant.
Genome position (GRCh38, 1-based): chr1:215,845,833, A>G on the plus strand (T>C on the coding strand, the complement: USH2A is on the minus strand). VCF-style: chr1-215845833-A-G. GRCh37 (hg19) VCF-style: chr1-216019175-A-G.
Other names: short protein forms C3016R.
Identifiers: ClinVar variation 1056516 (VCV001056516.6), dbSNP rs1472655556, ClinGen allele CA344840206.